The following is an entry in ClinVar:

NM_001166108.2(PALLD):c.2957T>C (p.Leu986Pro)

Genes: CBR4 (carbonyl reductase 4; minus strand), PALLD (palladin, cytoskeletal associated protein; plus strand). Cytogenetic location: 4q32.3.
Variant type: single nucleotide variant.
Coding change: c.2957T>C on transcript NM_001166108.2 (MANE Select); coding-DNA position 2957, T replaced by C.
Protein change: p.Leu986Pro; replaces leucine 986 with proline.
Molecular consequence: missense variant.
Genome position (GRCh38, 1-based): chr4:168,921,640, T>C. VCF-style: chr4-168921640-T-C. GRCh37 (hg19) VCF-style: chr4-169842791-T-C.
Other names: c.1760T>C, p.Leu587Pro (NM_001166109.2); c.1445T>C, p.Leu482Pro (NM_001166110.2); c.785T>C, p.Leu262Pro (NM_001367567.1, NM_001367569.1); c.836T>C, p.Leu279Pro (NM_001367568.1, NM_001367570.1); c.2906T>C, p.Leu969Pro (NM_016081.4); short protein forms L587P, L279P, L482P, L969P, L986P, L262P.
Identifiers: ClinVar variation 1797517 (VCV001797517.2), dbSNP rs2534194171, ClinGen allele CA358709156.
Genomic context (GRCh38, chr4:168,921,640, plus strand): 5'-AGCCCGTACGCCCTGACAGTGCTCACAAGATGCTGGTGCGTGAGAACGGGGTGCACTCTC[T>C]GATCATAGAGCCAGTCACGTCACGTGATGCCGGCATCTACACATGTATAGCTACCAACCG-3'
Protein context (NP_001159580.1, residues 976-996): MLVRENGVHS[Leu986Pro]IIEPVTSRDA

ClinVar aggregate classification (germline): Uncertain significance (1 of 4 stars; one submission).

Submission:

Ambry Genetics
Classification: Uncertain significance. Last evaluated: 2021-10-11. Review status: criteria provided, single submitter. Criteria: Ambry Variant Classification Scheme 2023. Collection method: clinical testing. Allele origin: germline.
Comment: The p.L969P variant (also known as c.2906T>C), located in coding exon 16 of the PALLD gene, results from a T to C substitution at nucleotide position 2906. The leucine at codon 969 is replaced by proline, an amino acid with similar properties. This amino acid position is conserved. In addition, this alteration is predicted to be deleterious by in silico analysis. Since supporting evidence is limited at this time, the clinical significance of this alteration remains unclear.